The following is an entry in ClinVar:

NM_018209.4(ARFGAP1):c.835-300G>A

Gene: ARFGAP1 (ARF GTPase activating protein 1; plus strand). Cytogenetic location: 20q13.33.
Variant type: single nucleotide variant.
Coding change: c.835-300G>A on transcript NM_018209.4 (MANE Select); 300 bases into the intron before coding-DNA position 835, G replaced by A.
Molecular consequence: intron variant. On other transcripts: synonymous variant (1).
Genome position (GRCh38, 1-based): chr20:63,286,066, G>A. VCF-style: chr20-63286066-G-A. GRCh37 (hg19) VCF-style: chr20-61917418-G-A.
Other names: c.921G>A, p.Ala307= (NM_001281482.2); c.865-306G>A (NM_175609.3); c.496-300G>A (NM_001281484.2); c.706-306G>A (NM_001281483.2).
Identifiers: ClinVar variation 4872700 (VCV004872700.2).

ClinVar aggregate classification (germline): Likely benign (1 of 4 stars; one submission).

gnomAD v4.1: 20 of 1,549,646 alleles (0.0013%); highest among the groups gnomAD compares: East Asian, 0.0049%; no homozygotes.

Submission:

CeGaT Center for Human Genetics Tuebingen
Classification: Likely benign. Last evaluated: 2026-05-01. Review status: criteria provided, single submitter. Criteria: CeGaT Center For Human Genetics Tuebingen Variant Classification Criteria Version 2. Collection method: clinical testing. Allele origin: germline. Affected: yes. Observed: 1 variant allele.
Comment: ARFGAP1: BP4, BP7